The following is an entry in ClinVar:

NM_018557.3(LRP1B):c.5626+7G>A

Gene: LRP1B (LDL receptor related protein 1B; minus strand). Cytogenetic location: 2q22.1.
Variant type: single nucleotide variant.
Coding change: c.5626+7G>A on transcript NM_018557.3 (MANE Select); 7 bases into the intron after coding-DNA position 5626, G replaced by A.
Molecular consequence: intron variant.
Genome position (GRCh38, 1-based): chr2:140,770,874, C>T on the plus strand (G>A on the coding strand, the complement: LRP1B is on the minus strand). VCF-style: chr2-140770874-C-T. GRCh37 (hg19) VCF-style: chr2-141528443-C-T.
Identifiers: ClinVar variation 3041942 (VCV003041942.2), dbSNP rs117193300, ClinGen allele CA1894854.
Genomic context (GRCh38, chr2:140,770,874, plus strand): 5'-ATCTGCATGGTATGTAATGATTAGTGAAGTAAATGAACCAGAGGTAAGGTTTTTCATGAA[C>T]TCATACCTTGACATGACATACGGTTCTTTTGGAGATAATATCCCACTGTACACATACAAG-3'

ClinVar aggregate classification (germline): Benign (0 of 4 stars; one submission).

Conditions:
LRP1B-related disorder. Also called: LRP1B-related condition.

Allele frequency attached by ClinVar (database versions not stated): ESP Exome Variant Server 0.00584; gnomAD exomes 0.01167; gnomAD 0.01458; TOPMed 0.02022; ExAC 0.02290; 1000 Genomes Project 0.02296; 1000 Genomes Project 30x 0.02561.
gnomAD v4.1: 18,479 of 1,549,778 alleles (1.2%); highest among the groups gnomAD compares: Admixed American, 12%; 513 homozygotes.

Submission:

PreventionGenetics, part of Exact Sciences
Classification: Benign for LRP1B-related condition. Last evaluated: 2019-04-10. Review status: no assertion criteria provided. Collection method: clinical testing. Allele origin: germline.
Comment: This variant is classified as benign based on ACMG/AMP sequence variant interpretation guidelines (Richards et al. 2015 PMID: 25741868, with internal and published modifications).